The following is an entry in ClinVar:

NM_005751.5(AKAP9):c.5036G>A (p.Arg1679His)

Genes: AKAP9 (A-kinase anchoring protein 9; plus strand), LOC121175350 (Sharpr-MPRA regulatory region 2641; plus strand). Cytogenetic location: 7q21.2.
Variant type: single nucleotide variant.
Coding change: c.5036G>A on transcript NM_005751.5 (MANE Select); coding-DNA position 5036, G replaced by A.
Protein change: p.Arg1679His; replaces arginine 1679 with histidine.
Molecular consequence: missense variant.
Genome position (GRCh38, 1-based): chr7:92,042,164, G>A. VCF-style: chr7-92042164-G-A. GRCh37 (hg19) VCF-style: chr7-91671478-G-A.
Other names: c.5036G>A, p.Arg1679His (NM_147185.3); short protein forms R1679H.
Identifiers: ClinVar variation 691719 (VCV000691719.10), dbSNP rs759646439, ClinGen allele CA4336713.
Genomic context (GRCh38, chr7:92,042,164, plus strand): 5'-AGCTGGAAGCACTAAAGCAGCTGTCTTTAGCTGGAAGAGAGAAGCTGTGTTGTGAGCTGC[G>A]CAACAGCAGTACGCAAACACAGGTAGTATGGACTTTGCCCCACCTAGGAGCAATGGATCA-3'
Protein context (NP_005742.4, residues 1669-1689): AGREKLCCEL[Arg1679His]NSSTQTQNGN

ClinVar aggregate classification (germline): Conflicting classifications of pathogenicity. Review status: criteria provided, conflicting classifications (1 of 4 stars). 4 submissions from 4 submitters: Uncertain significance (3); Likely benign (1). Last evaluated 2025-11-06.

Conditions:
Cardiovascular phenotype. Identifiers: MedGen CN230736.
Long QT syndrome 11 (LQT11). Identifiers: Orphanet 101016, Orphanet 768, MedGen C2678483, MONDO:0012738, OMIM 611820.
Long QT syndrome (LQTS). Identifiers: MedGen C0023976, MeSH D008133, MONDO:0002442. Disease mechanism: loss of function. Inheritance: Various modes of inheritance.

Allele frequency attached by ClinVar (database versions not stated): gnomAD exomes 0.00001 and 0.00002; ExAC 0.00002; gnomAD 0.00005 and 0.00006; TOPMed 0.00005.
gnomAD v4.1: 28 of 1,613,760 alleles (0.0017%); highest among the groups gnomAD compares: African/African-American, 0.011%; no homozygotes.

Submissions (4):

Labcorp Genetics (formerly Invitae), Labcorp
Classification: Uncertain significance for Long QT syndrome. Last evaluated: 2025-11-06. Review status: criteria provided, single submitter. Criteria: Invitae Variant Classification Sherloc (09022015). Collection method: clinical testing. Allele origin: germline.
Comment: This sequence change replaces arginine, which is basic and polar, with histidine, which is basic and polar, at codon 1679 of the AKAP9 protein (p.Arg1679His). This variant is present in population databases (rs759646439, gnomAD 0.02%). This missense change has been observed in individual(s) with autism spectrum disorder (PMID: 25363768, 28714951, 34011629). ClinVar contains an entry for this variant (Variation ID: 691719). An algorithm developed to predict the effect of missense changes on protein structure and function outputs the following: PolyPhen-2: "Benign". The histidine amino acid residue is found in multiple mammalian species, which suggests that this missense change does not adversely affect protein function. In summary, the available evidence is currently insufficient to determine the role of this variant in disease. Therefore, it has been classified as a Variant of Uncertain Significance.

Ambry Genetics
Classification: Likely benign for Cardiovascular phenotype. Last evaluated: 2023-04-14. Review status: criteria provided, single submitter. Criteria: Ambry Variant Classification Scheme 2023. Collection method: clinical testing. Allele origin: germline.

Fulgent Genetics
Classification: Uncertain significance for Long QT syndrome 11. Last evaluated: 2021-08-17. Review status: criteria provided, single submitter. Criteria: ACMG Guidelines, 2015. Collection method: clinical testing. Allele origin: unknown.

Center for Advanced Laboratory Medicine, UC San Diego Health, University of California San Diego
Classification: Uncertain significance for Long QT Syndrome. Last evaluated: 2018-05-15. Review status: criteria provided, single submitter. Criteria: ACMG Guidelines, 2015. Collection method: clinical testing. Allele origin: germline. Affected: yes. Observed: 1 variant allele.

Literature cited by the submitters: PubMed 25363768 (cited by Labcorp Genetics (formerly Invitae), Labcorp and Ambry Genetics); PubMed 28714951 (cited by Labcorp Genetics (formerly Invitae), Labcorp); PubMed 34011629 (cited by Labcorp Genetics (formerly Invitae), Labcorp).